The following is an entry in ClinVar:

ClinVar aggregate classification (germline): Pathogenic (1 of 4 stars; one submission).

gnomAD v4.1: 8 of 1,612,824 alleles (0.0005%); highest among the groups gnomAD compares: Non-Finnish European, 0.00068%; no homozygotes.

Submission:

Labcorp Genetics (formerly Invitae), Labcorp
Classification: Pathogenic. Last evaluated: 2025-09-09. Review status: criteria provided, single submitter. Criteria: Invitae Variant Classification Sherloc (09022015). Collection method: clinical testing. Allele origin: germline.
Comment: This sequence change creates a premature translational stop signal (p.Glu109*) in the ADAMTSL4 gene. It is expected to result in an absent or disrupted protein product. Loss-of-function variants in ADAMTSL4 are known to be pathogenic (PMID: 20564469, 28642162). This variant is present in population databases (no rsID available, gnomAD 0.002%). This variant has not been reported in the literature in individuals affected with ADAMTSL4-related conditions. ClinVar contains an entry for this variant (Variation ID: 3603507). Algorithms developed to predict the effect of sequence changes on RNA splicing suggest that this variant may create or strengthen a splice site. For these reasons, this variant has been classified as Pathogenic.

Literature cited by the submitters: PubMed 20564469; PubMed 28642162.

NM_019032.6(ADAMTSL4):c.325G>T (p.Glu109Ter)

Genes: ADAMTSL4 (ADAMTS like 4; plus strand), ADAMTSL4-AS2 (ADAMTSL4 antisense RNA 2; minus strand). Cytogenetic location: 1q21.2.
Variant type: single nucleotide variant.
Coding change: c.325G>T on transcript NM_019032.6 (MANE Select); coding-DNA position 325, G replaced by T.
Protein change: p.Glu109Ter; replaces glutamic acid 109 with a stop codon.
Molecular consequence: nonsense.
Genome position (GRCh38, 1-based): chr1:150,553,144, G>T. VCF-style: chr1-150553144-G-T. GRCh37 (hg19) VCF-style: chr1-150525620-G-T.
Other names: c.325G>T, p.Glu109Ter (NM_025008.5, NM_001288607.2, NM_001288608.2 and 1 more transcripts); short protein forms E109*.
Identifiers: ClinVar variation 3603507 (VCV003603507.2).